The following is an entry in ClinVar:

ClinVar aggregate classification (germline): Likely benign. Review status: criteria provided, multiple submitters, no conflicts (2 of 4 stars). 7 submissions from 7 submitters: Likely benign (5). 2 of the submissions do not count toward it. Last evaluated 2026-06-25.

Conditions:
Autosomal recessive limb-girdle muscular dystrophy type 2J (LGMDR10). Also called: MUSCULAR DYSTROPHY, LIMB-GIRDLE, AUTOSOMAL RECESSIVE 10; Limb-girdle muscular dystrophy, type 2J. Identifiers: Orphanet 140922, MedGen C1837342, MONDO:0012127, OMIM 608807.
Dilated cardiomyopathy 1G (CMD1G). Identifiers: Orphanet 154, MedGen C1858763, MONDO:0011400, OMIM 604145.
TTN-related disorder. Also called: TTN-related condition; TTN-related disease; TTN-related disorders.

Allele frequency attached by ClinVar (database versions not stated): gnomAD 0.00001; gnomAD exomes 0.00001 and 0.00002; TOPMed 0.00001; ExAC 0.00002.
gnomAD v4.1: 36 of 1,613,716 alleles (0.0022%); highest among the groups gnomAD compares: Non-Finnish European, 0.0028%; no homozygotes.

Submissions (7):

PreventionGenetics, part of Exact Sciences
Classification: Likely benign for TTN-related condition. Last evaluated: 2026-06-25. Review status: criteria provided, single submitter. Criteria: ACMG Guidelines, 2015. Collection method: clinical testing. Allele origin: germline.
Comment: This variant is classified as likely benign based on ACMG/AMP sequence variant interpretation guidelines (Richards et al. 2015 PMID: 25741868, with internal and published modifications).

Women's Health and Genetics/Laboratory Corporation of America, LabCorp
Classification: Likely benign. Last evaluated: 2026-05-25. Review status: criteria provided, single submitter. Criteria: LabCorp Variant Classification Summary - May 2015. Collection method: clinical testing. Allele origin: germline.

Labcorp Genetics (formerly Invitae), Labcorp
Classification: Likely benign for Dilated cardiomyopathy 1G; Autosomal recessive limb-girdle muscular dystrophy type 2J. Last evaluated: 2025-11-27. Review status: criteria provided, single submitter. Criteria: Invitae Variant Classification Sherloc (09022015). Collection method: clinical testing. Allele origin: germline.

Mayo Clinic Laboratories, Mayo Clinic
Classification: Likely benign. Last evaluated: 2025-10-09. Review status: criteria provided, single submitter. Criteria: ACMG Guidelines, 2015. Collection method: clinical testing. Allele origin: germline. Observed: 2 variant alleles.
Comment: BP4, BP7

GeneDx
Classification: Likely benign. Last evaluated: 2017-06-13. Review status: criteria provided, single submitter. Criteria: GeneDx Variant Classification (06012015). Collection method: clinical testing. Allele origin: germline. Affected: yes.
Comment: This variant is considered likely benign or benign based on one or more of the following criteria: it is a conservative change, it occurs at a poorly conserved position in the protein, it is predicted to be benign by multiple in silico algorithms, and/or has population frequency not consistent with disease.

Clinical Genetics DNA and cytogenetics Diagnostics Lab, Erasmus MC, Erasmus Medical Center
Classification: Likely benign. Review status: no assertion criteria provided. Collection method: clinical testing. Allele origin: germline. Affected: yes. Study: VKGL Data-share Consensus. Not counted in ClinVar's aggregate classification.

Joint Genome Diagnostic Labs from Nijmegen and Maastricht, Radboudumc and MUMC+
Classification: Likely benign. Review status: no assertion criteria provided. Collection method: clinical testing. Allele origin: germline. Affected: yes. Study: VKGL Data-share Consensus. Not counted in ClinVar's aggregate classification.

NM_001267550.2(TTN):c.2494-7C>A

Gene: TTN (titin; minus strand). Cytogenetic location: 2q31.2.
Variant type: single nucleotide variant.
Coding change: c.2494-7C>A on transcript NM_001267550.2 (MANE Select); 7 bases into the intron before coding-DNA position 2494, C replaced by A.
Molecular consequence: intron variant.
Genome position (GRCh38, 1-based): chr2:178,784,358, G>T on the plus strand (C>A on the coding strand, the complement: TTN is on the minus strand). VCF-style: chr2-178784358-G-T. GRCh37 (hg19) VCF-style: chr2-179649085-G-T.
Other names: p.?; c.2356-7C>A (NM_003319.4, NM_133437.4, NM_133432.3); c.2494-7C>A (NM_133378.4, NM_001256850.1, NM_133379.5).
Identifiers: ClinVar variation 238724 (VCV000238724.16), dbSNP rs758664336, ClinGen allele CA2005800.